The following is an entry in ClinVar:

ClinVar aggregate classification (germline): Uncertain significance. Review status: criteria provided, multiple submitters, no conflicts (2 of 4 stars). 13 submissions from 12 submitters: Uncertain significance (11). 2 of the submissions do not count toward it. Last evaluated 2026-09-11.

Conditions:
MYBPC3-related disorder. Also called: MYBPC3-related disorders; MYBPC3-related condition; MYBPC3-related disease.
Cardiovascular phenotype. Identifiers: MedGen CN230736.
Hypertrophic cardiomyopathy 4. Also called: Familial hypertrophic cardiomyopathy 4. Identifiers: MedGen C1861862, MONDO:0007268, OMIM 115197.
Left ventricular noncompaction 10 (LVNC10). Identifiers: Orphanet 154, Orphanet 54260, MedGen C3715165, MONDO:0014163, OMIM 615396.
Cardiomyopathy (CMYO). Also called: Cardiomyopathies. Identifiers: Orphanet 167848, MedGen C0878544, MONDO:0004994, HP:0001638. Inheritance: Various modes of inheritance.
Primary familial hypertrophic cardiomyopathy (HCM). Identifiers: Orphanet 99739, MedGen C0949658, MeSH D024741, MONDO:0024573. Inheritance: Various modes of inheritance.
Hypertrophic cardiomyopathy. Also called: HYPERTROPHIC MYOCARDIOPATHY. Identifiers: Orphanet 217569, MedGen C0007194, MeSH D002312, MONDO:0005045, HP:0001639.

Allele frequency attached by ClinVar (database versions not stated): ExAC below 0.00001; gnomAD 0.00001; TOPMed 0.00005; ESP Exome Variant Server 0.00008.
gnomAD v4.1: 43 of 1,551,002 alleles (0.0028%); highest among the groups gnomAD compares: Non-Finnish European, 0.0036%; no homozygotes.

Submissions (13):

PreventionGenetics, part of Exact Sciences
Classification: Uncertain significance for MYBPC3-related condition. Last evaluated: 2026-09-11. Review status: criteria provided, single submitter. Criteria: ACMG Guidelines, 2015. Collection method: clinical testing. Allele origin: germline.
Comment: The MYBPC3 c.2320G>A variant is predicted to result in the amino acid substitution p.Ala774Thr. This variant has been reported in individuals with hypertrophic cardiomyopathy (HCM; Maron et al. 2012. PubMed ID: 21839045; Table S1B, Walsh et al. 2016. PubMed ID: 27532257; Table S8, McGurk et al. 2023. PubMed ID: 37652022), including in two family members affected with pediatric onset HCM (Fernlund et al. 2020. PubMed ID: 33302605), and in one individual with dilated cardiomyopathy (Table S3, Mazzarotto et al. 2020. PubMed ID: 31983221). This variant is reported in 0.0035% of alleles in individuals of European (Non-Finnish) descent in gnomAD. At this time, the clinical significance of this variant is uncertain due to the absence of conclusive functional and genetic evidence.

Color Diagnostics, LLC DBA Color Health
Classification: Uncertain significance for Cardiomyopathy. Last evaluated: 2025-12-11. Review status: criteria provided, single submitter. Criteria: ACMG Guidelines, 2015. Collection method: clinical testing. Allele origin: germline.
Comment: This missense variant replaces alanine with threonine at codon 774 of the MYBPC3 protein. Computational prediction tools indicate that this variant has a neutral impact on protein structure and function. To our knowledge, functional studies have not been reported for this variant. This variant has been reported in five individuals affected with hypertrophic cardiomyopathy, including two related individuals who were diagnosed in the neonatal period (PMID: 21839045, 27532257, 33302605). It has also been reported in one individual affected with dilated cardiomyopathy (PMID: 31983221). This variant has been identified in 43/1551002 chromosomes in the general population by the Genome Aggregation Database (gnomAD). The available evidence is insufficient to determine the role of this variant in disease conclusively. Therefore, this variant is classified as a Variant of Uncertain Significance.

GeneDx
Classification: Uncertain significance. Last evaluated: 2025-06-27. Review status: criteria provided, single submitter. Criteria: GeneDx Variant Classification Process June 2021. Collection method: clinical testing. Allele origin: germline. Affected: yes.
Comment: Not observed at significant frequency in large population cohorts (gnomAD); In silico analysis suggests that this missense variant does not alter protein structure/function; Reported in association with HCM in published literature (PMID: 21839045, 27532257, 33302605); This variant is associated with the following publications: (PMID: 27532257, 23299917, 25637381, 34426522, 37652022, 33302605, 21839045)

Blueprint Genetics
Classification: Uncertain significance. Last evaluated: 2024-11-08. Review status: criteria provided, single submitter. Criteria: ACMG Guidelines, 2015. Collection method: clinical testing. Allele origin: germline.

All of Us Research Program, National Institutes of Health
Classification: Uncertain significance for Hypertrophic cardiomyopathy. Last evaluated: 2024-06-11. Review status: criteria provided, single submitter. Criteria: ACMG Guidelines, 2015. Collection method: clinical testing. Allele origin: germline. Inheritance: Autosomal dominant inheritance. Observed: 16 variant alleles, 16 heterozygotes.
Comment: This missense variant replaces alanine with threonine at codon 774 of the MYBPC3 protein. Computational prediction suggests that this variant may not impact protein structure and function (internally defined REVEL score threshold <= 0.5, PMID: 27666373). To our knowledge, functional studies have not been reported for this variant. This variant has been reported in five individuals affected with hypertrophic cardiomyopathy, including two related individuals who were diagnosed in the neonatal period (PMID: 21839045, 27532257, 33302605). It has also been reported in an individual affected with dilated cardiomyopathy (PMID: 31983221). This variant has been identified in 2/152072 chromosomes in the general population by the Genome Aggregation Database (gnomAD). The available evidence is insufficient to determine the role of this variant in disease conclusively. Therefore, this variant is classified as a Variant of Uncertain Significance.

This study involves interpretation of variants in research participants for the purpose of population health screening. Participant phenotype was not available at the time of variant classification. Additional details can be found in publication PMID: 35346344, PMCID: PMC8962531

Labcorp Genetics (formerly Invitae), Labcorp
Classification: Uncertain significance for Hypertrophic cardiomyopathy. Last evaluated: 2024-01-17. Review status: criteria provided, single submitter. Criteria: Invitae Variant Classification Sherloc (09022015). Collection method: clinical testing. Allele origin: germline.
Comment: This sequence change replaces alanine, which is neutral and non-polar, with threonine, which is neutral and polar, at codon 774 of the MYBPC3 protein (p.Ala774Thr). This variant is present in population databases (rs368104687, gnomAD 0.002%). This missense change has been observed in individual(s) with clinical features of hypertrophic cardiomyopathy (PMID: 21839045, 27532257, 33302605). ClinVar contains an entry for this variant (Variation ID: 42618). An algorithm developed to predict the effect of missense changes on protein structure and function (PolyPhen-2) suggests that this variant¬†is likely to be tolerated. In summary, the available evidence is currently insufficient to determine the role of this variant in disease. Therefore, it has been classified as a Variant of Uncertain Significance.

Laboratory for Molecular Medicine, Mass General Brigham Personalized Medicine
Classification: Uncertain significance for Hypertrophic cardiomyopathy. Last evaluated: 2022-06-23. Review status: criteria provided, single submitter. Criteria: ACMG Guidelines, 2015. Collection method: clinical testing. Allele origin: germline.
Comment: The p.Ala774Thr variant in MYBPC3 has been reported in at least 3 individuals with hypertrophic cardiomyopathy and segregated with disease in 2 affected individuals from 1 family (Maron 2012 PMID: 21839045, Walsh 2017 PMID: 27532257, Fernlund 2020 PMID: 33302605 ), as well as in 1 individual with dilated cardiomyopathy (Mazzarotto 2020 PMID: 31983221). It has also been identified in 2/57196 of European chromosomes by gnomAD. This variant has also been reported in ClinVar (Variation ID 42618). Computational prediction tools and conservation analyses suggest that this variant may not impact the protein, though this information is not predictive enough to rule out pathogenicity. In summary, the clinical significance of this variant is uncertain. ACMG/AMP Criteria applied: PM2_P, PS4_P, BP4.

Fulgent Genetics
Classification: Uncertain significance for Hypertrophic cardiomyopathy 4; Left ventricular noncompaction 10. Last evaluated: 2021-09-22. Review status: criteria provided, single submitter. Criteria: ACMG Guidelines, 2015. Collection method: clinical testing. Allele origin: unknown.

Ambry Genetics
Classification: Uncertain significance for Cardiovascular phenotype. Last evaluated: 2021-08-31. Review status: criteria provided, single submitter. Criteria: Ambry Variant Classification Scheme 2023. Collection method: clinical testing. Allele origin: germline.

CHEO Genetics Diagnostic Laboratory, Children's Hospital of Eastern Ontario
Classification: Uncertain significance for Cardiomyopathy. Last evaluated: 2016-06-01. Review status: criteria provided, single submitter. Criteria: ACMG Guidelines, 2015. Collection method: clinical testing. Allele origin: germline. Study: Canadian Open Genetics Repository.

CSER _CC_NCGL, University of Washington
Classification: Uncertain significance for Cardiomyopathy, hypertrophic. Last evaluated: 2014-06-01. Review status: criteria provided, single submitter. Criteria: Amendola et al. (Genome Res. 2015). Collection method: research. Allele origin: germline. Inheritance: Autosomal dominant inheritance. Study: ESP 6500 variant annotation.
Comment: Low GERP score may suggest that this variant may belong in a lower pathogenicity class

Variants classified for the Actionable exomic incidental findings in 6503 participants: challenges of variant classification manuscript

Knight Diagnostic Laboratories, Oregon Health and Sciences University
Classification: Uncertain significance for Left ventricular noncompaction 10. Last evaluated: 2015-08-13. Review status: no assertion criteria provided. Criteria: ACMG Guidelines, 2015. Collection method: clinical testing. Allele origin: germline. Affected: no. Study: CSER-NextGen. Not counted in ClinVar's aggregate classification.

Knight Diagnostic Laboratories, Oregon Health and Sciences University
Classification: Uncertain significance for Hypertrophic cardiomyopathy 4. Last evaluated: 2015-08-13. Review status: no assertion criteria provided. Criteria: ACMG Guidelines, 2015. Collection method: clinical testing. Allele origin: germline. Affected: no. Study: CSER-NextGen. Not counted in ClinVar's aggregate classification.

Literature cited by the submitters: PubMed 21839045 (cited by 4 submitters); PubMed 27532257 (cited by 3 submitters); PubMed 31983221 (cited by Color Diagnostics, LLC DBA Color Health and All of Us Research Program, National Institutes of Health); PubMed 33302605 (cited by 3 submitters).

NM_000256.3(MYBPC3):c.2320G>A (p.Ala774Thr)

Gene: MYBPC3 (myosin binding protein C3; minus strand). Cytogenetic location: 11p11.2.
Variant type: single nucleotide variant.
Coding change: c.2320G>A on transcript NM_000256.3 (MANE Select); coding-DNA position 2320, G replaced by A.
Protein change: p.Ala774Thr; replaces alanine 774 with threonine.
Molecular consequence: missense variant.
Genome position (GRCh38, 1-based): chr11:47,337,783, C>T on the plus strand (G>A on the coding strand, the complement: MYBPC3 is on the minus strand). VCF-style: chr11-47337783-C-T. GRCh37 (hg19) VCF-style: chr11-47359334-C-T.
Other names: short protein forms A774T.
Identifiers: ClinVar variation 42618 (VCV000042618.27), dbSNP rs368104687, ClinGen allele CA012113.